The following is an entry in ClinVar:

NM_004360.5(CDH1):c.91G>A (p.Gly31Ser)

Gene: CDH1 (cadherin 1; plus strand). Cytogenetic location: 16q22.1.
Variant type: single nucleotide variant.
Coding change: c.91G>A on transcript NM_004360.5 (MANE Select); coding-DNA position 91, G replaced by A.
Protein change: p.Gly31Ser; replaces glycine 31 with serine.
Molecular consequence: missense variant. On other transcripts: 5 prime UTR variant (2).
Genome position (GRCh38, 1-based): chr16:68,738,339, G>A. VCF-style: chr16-68738339-G-A. GRCh37 (hg19) VCF-style: chr16-68772242-G-A.
Other names: c.91G>A, p.Gly31Ser (NM_001317184.2); c.-1525G>A (NM_001317185.2); c.-1729G>A (NM_001317186.2); c.91G>A (NM_004360.3); short protein forms G31S.
Identifiers: ClinVar variation 1059413 (VCV001059413.10), dbSNP rs2152114387, ClinGen allele CA396451864.

ClinVar aggregate classification (germline): Uncertain significance. Review status: criteria provided, multiple submitters, no conflicts (2 of 4 stars). 2 submissions from 2 submitters: Uncertain significance (2). Last evaluated 2026-03-08.

Conditions:
Hereditary diffuse gastric adenocarcinoma (HDGC). Also called: DIFFUSE GASTRIC AND LOBULAR BREAST CANCER SYNDROME. Identifiers: Orphanet 26106, MedGen C1708349, MONDO:0007648, OMIM 137215.
Hereditary cancer-predisposing syndrome. Also called: Hereditary Cancer Syndrome; Neoplastic Syndromes, Hereditary; Tumor predisposition; Hereditary neoplastic syndrome. Identifiers: Orphanet 140162, MedGen C0027672, MeSH D009386, MONDO:0015356.

gnomAD v4.1: 1 of 1,540,348 alleles (0.000065%); highest among the groups gnomAD compares: Non-Finnish European, 0.000088%; no homozygotes.

Submissions (2):

Ambry Genetics
Classification: Uncertain significance for Hereditary cancer-predisposing syndrome. Last evaluated: 2026-03-08. Review status: criteria provided, single submitter. Criteria: Ambry Variant Classification Scheme 2023. Collection method: clinical testing. Allele origin: germline.
Comment: The p.G31S variant (also known as c.91G>A), located in coding exon 2 of the CDH1 gene, results from a G to A substitution at nucleotide position 91. The glycine at codon 31 is replaced by serine, an amino acid with similar properties. This amino acid position is conserved. In addition, the in silico prediction for this alteration is inconclusive. Based on the available evidence, the clinical significance of this variant remains unclear.

Labcorp Genetics (formerly Invitae), Labcorp
Classification: Uncertain significance for Hereditary diffuse gastric adenocarcinoma. Last evaluated: 2020-08-30. Review status: criteria provided, single submitter. Criteria: Invitae Variant Classification Sherloc (09022015). Collection method: clinical testing. Allele origin: germline.
Comment: This sequence change replaces glycine with serine at codon 31 of the CDH1 protein (p.Gly31Ser). The glycine residue is highly conserved and there is a small physicochemical difference between glycine and serine. This variant is not present in population databases (ExAC no frequency). This variant has not been reported in the literature in individuals with CDH1-related conditions. Algorithms developed to predict the effect of missense changes on protein structure and function are either unavailable or do not agree on the potential impact of this missense change (SIFT: "Deleterious"; PolyPhen-2: "Probably Damaging"; Align-GVGD: "Class C0"). Algorithms developed to predict the effect of sequence changes on RNA splicing suggest that this variant may create or strengthen a splice site, but this prediction has not been confirmed by published transcriptional studies. In summary, the available evidence is currently insufficient to determine the role of this variant in disease. Therefore, it has been classified as a Variant of Uncertain Significance.